The following is an entry in ClinVar:

NM_004655.4(AXIN2):c.2466G>A (p.Trp822Ter)

Gene: AXIN2 (axin 2; minus strand). Cytogenetic location: 17q24.1.
Variant type: single nucleotide variant.
Coding change: c.2466G>A on transcript NM_004655.4 (MANE Select); coding-DNA position 2466, G replaced by A.
Protein change: p.Trp822Ter; replaces tryptophan 822 with a stop codon.
Molecular consequence: nonsense.
Genome position (GRCh38, 1-based): chr17:65,530,042, C>T on the plus strand (G>A on the coding strand, the complement: AXIN2 is on the minus strand). VCF-style: chr17-65530042-C-T. GRCh37 (hg19) VCF-style: chr17-63526160-C-T.
Other names: c.2271G>A, p.Trp757Ter (NM_001363813.1); short protein forms W757*, W822*.
Identifiers: ClinVar variation 1199175 (VCV001199175.4), dbSNP rs2144391343, ClinGen allele CA400674847.

ClinVar aggregate classification (germline): Conflicting classifications of pathogenicity. Review status: criteria provided, conflicting classifications (1 of 4 stars). 2 submissions from 2 submitters: Pathogenic (1); Uncertain significance (1). Last evaluated 2024-05-06.

Conditions:
Oligodontia-cancer predisposition syndrome. Also called: TOOTH AGENESIS-COLORECTAL CANCER SYNDROME. Identifiers: Orphanet 300576, MedGen C1837750, MONDO:0012075, OMIM 608615. Disease mechanism: loss of function.

Submissions (2):

Labcorp Genetics (formerly Invitae), Labcorp
Classification: Uncertain significance for Oligodontia-cancer predisposition syndrome. Last evaluated: 2024-05-06. Review status: criteria provided, single submitter. Criteria: Invitae Variant Classification Sherloc (09022015). Collection method: clinical testing. Allele origin: germline.
Comment: This sequence change creates a premature translational stop signal (p.Trp822*) in the AXIN2 gene. While this is not anticipated to result in nonsense mediated decay, it is expected to disrupt the last 22 amino acid(s) of the AXIN2 protein. This variant is not present in population databases (gnomAD no frequency). This variant has not been reported in the literature in individuals affected with AXIN2-related conditions. ClinVar contains an entry for this variant (Variation ID: 1199175). Experimental studies and prediction algorithms are not available or were not evaluated, and the functional significance of this variant is currently unknown. In summary, the available evidence is currently insufficient to determine the role of this variant in disease. Therefore, it has been classified as a Variant of Uncertain Significance.

Center of Excellence in Precision Medicine and Digital Health (CEPMDH), Faculty of Dentistry, Chulalongkorn University
Classification: Pathogenic for Oligodontia-cancer predisposition syndrome. Review status: criteria provided, single submitter. Criteria: ACMG Guidelines, 2015. Collection method: clinical testing. Allele origin: de novo. Inheritance: Autosomal dominant inheritance. Affected: yes. Observed: 1 variant allele, 1 heterozygote.
Comment: The nonsense variants in AXIN2 gene have been reported in patients with oligodontia and colorectal carcinoma (HlouÅ¡kovÃ¡ et al. 2017). This variant was classified as pathogenic by ACMG guidelines.